The following is an entry in ClinVar:

NM_181426.2(CCDC39):c.1411G>T (p.Glu471Ter)

Gene: CCDC39 (coiled-coil domain 39 molecular ruler complex subunit; minus strand). Cytogenetic location: 3q26.33.
Variant type: single nucleotide variant.
Coding change: c.1411G>T on transcript NM_181426.2 (MANE Select); coding-DNA position 1411, G replaced by T.
Protein change: p.Glu471Ter; replaces glutamic acid 471 with a stop codon.
Molecular consequence: nonsense.
Genome position (GRCh38, 1-based): chr3:180,647,195, C>A on the plus strand (G>T on the coding strand, the complement: CCDC39 is on the minus strand). VCF-style: chr3-180647195-C-A. GRCh37 (hg19) VCF-style: chr3-180364983-C-A.
Other names: short protein forms E471*.
Identifiers: ClinVar variation 2734592 (VCV002734592.3), dbSNP rs2473808850, ClinGen allele CA355310294.

ClinVar aggregate classification (germline): Pathogenic (1 of 4 stars; one submission).

Conditions:
Primary ciliary dyskinesia. Also called: Ciliary dyskinesia. Identifiers: Orphanet 244, MedGen C0008780, MONDO:0016575, HP:0012265.

Allele frequency attached by ClinVar (database versions not stated): gnomAD exomes 0.00001.
gnomAD v4.1: 5 of 1,610,600 alleles (0.00031%); highest among the groups gnomAD compares: Non-Finnish European, 0.00042%; no homozygotes.

Submission:

Labcorp Genetics (formerly Invitae), Labcorp
Classification: Pathogenic for Primary ciliary dyskinesia. Last evaluated: 2024-11-21. Review status: criteria provided, single submitter. Criteria: Invitae Variant Classification Sherloc (09022015). Collection method: clinical testing. Allele origin: germline.
Comment: This sequence change creates a premature translational stop signal (p.Glu471*) in the CCDC39 gene. It is expected to result in an absent or disrupted protein product. Loss-of-function variants in CCDC39 are known to be pathogenic (PMID: 21131972, 23255504). This variant is not present in population databases (gnomAD no frequency). This premature translational stop signal has been observed in individual(s) with primary ciliary dyskinesia (PMID: 21131972). ClinVar contains an entry for this variant (Variation ID: 2734592). For these reasons, this variant has been classified as Pathogenic.

Literature cited by the submitters: PubMed 21131972; PubMed 23255504.